The following is an entry in ClinVar:

ClinVar aggregate classification (germline): Likely pathogenic (1 of 4 stars; one submission).

Submission:

Labcorp Genetics (formerly Invitae), Labcorp
Classification: Likely pathogenic. Last evaluated: 2021-03-29. Review status: criteria provided, single submitter. Criteria: Invitae Variant Classification Sherloc (09022015). Collection method: clinical testing. Allele origin: germline.
Comment: In summary, the currently available evidence indicates that the variant is pathogenic, but additional data are needed to prove that conclusively. Therefore, this variant has been classified as Likely Pathogenic. Algorithms developed to predict the effect of sequence changes on RNA splicing suggest that this variant may disrupt the consensus splice site, but this prediction has not been confirmed by published transcriptional studies. This variant has not been reported in the literature in individuals with CARMIL2-related conditions. This variant is not present in population databases (ExAC no frequency). This sequence change affects an acceptor splice site in intron 4 of the CARMIL2 gene. It is expected to disrupt RNA splicing. Variants that disrupt the donor or acceptor splice site typically lead to a loss of protein function (PMID: 16199547), and loss-of-function variants in CARMIL2 are known to be pathogenic (PMID: 27647349, 28112205).

Literature cited by the submitters: PubMed 16199547; PubMed 27647349; PubMed 28112205.

NM_001013838.3(CARMIL2):c.250-2A>G

Gene: CARMIL2 (capping protein regulator and myosin 1 linker 2; plus strand). Cytogenetic location: 16q22.1.
Variant type: single nucleotide variant.
Coding change: c.250-2A>G on transcript NM_001013838.3 (MANE Select); the canonical splice acceptor site of the intron before coding-DNA position 250, A replaced by G.
Molecular consequence: splice acceptor variant.
Genome position (GRCh38, 1-based): chr16:67,646,184, A>G. VCF-style: chr16-67646184-A-G. GRCh37 (hg19) VCF-style: chr16-67680087-A-G.
Other names: c.250-2A>G (NM_001317026.3).
Identifiers: ClinVar variation 1473391 (VCV001473391.8), dbSNP rs2142909461, ClinGen allele CA396330784.
Genomic context (GRCh38, chr16:67,646,184, plus strand): 5'-ATGCTACCACCATCACCTGCGCCCATGTGTGGAGCCGAGGCCTAGTAGTGCCCCTTCCCT[A>G]GGTCACCTTTGAGCTGGAGTCCCTGCGTGAGCTGGTCCTGGAGTTTCCTGGTGTGGCCGC-3'